The following is an entry in ClinVar:

ClinVar aggregate classification (germline): Benign (1 of 4 stars; one submission).

Allele frequency attached by ClinVar (database versions not stated): 1000 Genomes Project 0.15555; 1000 Genomes Project 30x 0.16412; gnomAD 0.20576 and 0.21551; TOPMed 0.20670.
gnomAD v4.1: 31,051 of 151,814 alleles (20%); highest among the groups gnomAD compares: African/African-American, 35%; 4,000 homozygotes.

Submission:

GeneDx
Classification: Benign. Last evaluated: 2018-06-19. Review status: criteria provided, single submitter. Criteria: GeneDx Variant Classification (06012015). Collection method: clinical testing. Allele origin: germline. Affected: yes.
Comment: This variant is considered likely benign or benign based on one or more of the following criteria: it is a conservative change, it occurs at a poorly conserved position in the protein, it is predicted to be benign by multiple in silico algorithms, and/or has population frequency not consistent with disease.

NM_144670.6(A2ML1):c.2234+157T>A

Gene: A2ML1 (alpha-2-macroglobulin like 1; plus strand). Cytogenetic location: 12p13.31.
Variant type: single nucleotide variant.
Coding change: c.2234+157T>A on transcript NM_144670.6 (MANE Select); 157 bases into the intron after coding-DNA position 2234, T replaced by A.
Molecular consequence: intron variant.
Genome position (GRCh38, 1-based): chr12:8,850,431, T>A. VCF-style: chr12-8850431-T-A. GRCh37 (hg19) VCF-style: chr12-9003027-T-A.
Other names: c.761+157T>A (NM_001282424.3).
Identifiers: ClinVar variation 561562 (VCV000561562.1), dbSNP rs7136690, ClinGen allele CA232684957.